The following is an entry in ClinVar:

NM_030653.4(DDX11):c.1160_1165del (p.Asp387_Gln388del)

Gene: DDX11 (DEAD/H-box helicase 11; plus strand). Cytogenetic location: 12p11.21.
Variant type: Deletion.
Coding change: c.1160_1165del on transcript NM_030653.4 (MANE Select); coding-DNA positions 1160 to 1165, 6 bases deleted (ACCAGG; older notation c.1160_1165delACCAGG).
Protein change: p.Asp387_Gln388del.
Molecular consequence: inframe deletion.
Genome position (GRCh38, 1-based): chr12:31,091,789-31,091,794, ACCAGG deleted; deleting any 6 consecutive bases within chr12:31,091,785-31,091,794 gives the same sequence; the c. name uses the placement nearest the transcript's 3' end. VCF-style (leftmost placement, unchanged base first): chr12-31091784-GCAGGAC-G. GRCh37 (hg19) VCF-style: chr12-31244718-GCAGGAC-G.
Other names: c.1160_1165del, p.Asp387_Gln388del (NM_001257144.2, NM_004399.3, NM_152438.2); c.1082_1087del, p.Asp361_Gln362del (NM_001257145.2).
Identifiers: ClinVar variation 376800 (VCV000376800.3), dbSNP rs1057520059, ClinGen allele CA16603171.

ClinVar aggregate classification (germline): Uncertain significance (1 of 4 stars; one submission).

Submission:

Center for Pediatric Genomic Medicine, Children's Mercy Hospital and Clinics
Classification: Uncertain significance. Last evaluated: 2016-08-26. Review status: criteria provided, single submitter. Criteria: ACMG Guidelines, 2015. Collection method: clinical testing. Allele origin: germline.
ClinVar note: Converted during submission from Uncertain Significance to Uncertain significance.